The following is an entry in ClinVar:

ClinVar aggregate classification (germline): Uncertain significance. Review status: criteria provided, multiple submitters, no conflicts (2 of 4 stars). 3 submissions from 3 submitters: Uncertain significance (3). Last evaluated 2025-04-09.

Conditions:
Cardiomyopathy (CMYO). Also called: Cardiomyopathies. Identifiers: Orphanet 167848, MedGen C0878544, MONDO:0004994, HP:0001638. Inheritance: Various modes of inheritance.
Cardiovascular phenotype. Identifiers: MedGen CN230736.
Hypertrophic cardiomyopathy. Also called: HYPERTROPHIC MYOCARDIOPATHY. Identifiers: Orphanet 217569, MedGen C0007194, MeSH D002312, MONDO:0005045, HP:0001639.

Allele frequency attached by ClinVar (database versions not stated): gnomAD exomes below 0.00001; gnomAD 0.00001; TOPMed 0.00001.
gnomAD v4.1: 3 of 1,542,984 alleles (0.00019%); highest among the groups gnomAD compares: Non-Finnish European, 0.00017%; no homozygotes.

Submissions (3):

Molecular Diagnostic Laboratory for Inherited Cardiovascular Disease, Montreal Heart Institute
Classification: Uncertain significance for Cardiovascular phenotype. Last evaluated: 2025-04-09. Review status: criteria provided, single submitter. Criteria: ACMG Guidelines, 2015. Collection method: clinical testing. Allele origin: germline. Affected: yes.
Comment: PM2

All of Us Research Program, National Institutes of Health
Classification: Uncertain significance for Hypertrophic cardiomyopathy. Last evaluated: 2024-06-17. Review status: criteria provided, single submitter. Criteria: ACMG Guidelines, 2015. Collection method: clinical testing. Allele origin: germline. Inheritance: Autosomal dominant inheritance. Observed: 2 variant alleles, 2 heterozygotes.
Comment: This missense variant replaces aspartic acid with glycine at codon 902 of the MYBPC3 protein. Computational prediction is inconclusive regarding the impact of this variant on protein structure and function (internally defined REVEL score threshold 0.5 < inconclusive < 0.7, PMID: 27666373). To our knowledge, functional studies have not been reported for this variant. This variant has not been reported in individuals affected with MYBPC3-related disorders in the literature. This variant has not been identified in the general population by the Genome Aggregation Database (gnomAD). The available evidence is insufficient to determine the role of this variant in disease conclusively. Therefore, this variant is classified as a Variant of Uncertain Significance.

This study involves interpretation of variants in research participants for the purpose of population health screening. Participant phenotype was not available at the time of variant classification. Additional details can be found in publication PMID: 35346344, PMCID: PMC8962531

Color Diagnostics, LLC DBA Color Health
Classification: Uncertain significance for Cardiomyopathy. Last evaluated: 2023-12-04. Review status: criteria provided, single submitter. Criteria: ACMG Guidelines, 2015. Collection method: clinical testing. Allele origin: germline.
Comment: This missense variant replaces aspartic acid with glycine at codon 902 of the MYBPC3 protein. Computational prediction is inconclusive regarding the impact of this variant on protein structure and function (internally defined REVEL score threshold 0.5 < inconclusive < 0.7, PMID: 27666373). To our knowledge, functional studies have not been reported for this variant. This variant has not been reported in individuals affected with MYBPC3-related disorders in the literature. This variant has not been identified in the general population by the Genome Aggregation Database (gnomAD). The available evidence is insufficient to determine the role of this variant in disease conclusively. Therefore, this variant is classified as a Variant of Uncertain Significance.

NM_000256.3(MYBPC3):c.2705A>G (p.Asp902Gly)

Gene: MYBPC3 (myosin binding protein C3; minus strand). Cytogenetic location: 11p11.2.
Variant type: single nucleotide variant.
Coding change: c.2705A>G on transcript NM_000256.3 (MANE Select); coding-DNA position 2705, A replaced by G.
Protein change: p.Asp902Gly; replaces aspartic acid 902 with glycine.
Molecular consequence: missense variant.
Genome position (GRCh38, 1-based): chr11:47,335,909, T>C on the plus strand (A>G on the coding strand, the complement: MYBPC3 is on the minus strand). VCF-style: chr11-47335909-T-C. GRCh37 (hg19) VCF-style: chr11-47357460-T-C.
Other names: short protein forms D902G.
Identifiers: ClinVar variation 923827 (VCV000923827.6), dbSNP rs959418808, ClinGen allele CA221685835.
Genomic context (GRCh38, chr11:47,335,909, plus strand): 5'-GAGGGGGGTTGGGGGCGGGGACACTCACAGCCCTCTGGGCAGTACTCCACGCTGTAGCCA[T>C]CCAGGCCTCCTGCTCCCACGCGCTCTGGGGGCCGCCACTTGAGGGAGACCGTGGTGTCAG-3'
Protein context (NP_000247.2, residues 892-912): PPERVGAGGL[Asp902Gly]GYSVEYCPEG